The following is an entry in ClinVar:

NM_015087.5(SPART):c.1654G>C (p.Val552Leu)

Gene: SPART (spartin; minus strand). Cytogenetic location: 13q13.3.
Variant type: single nucleotide variant.
Coding change: c.1654G>C on transcript NM_015087.5 (MANE Select); coding-DNA position 1654, G replaced by C.
Protein change: p.Val552Leu; replaces valine 552 with leucine.
Molecular consequence: missense variant.
Genome position (GRCh38, 1-based): chr13:36,312,224, C>G on the plus strand (G>C on the coding strand, the complement: SPART is on the minus strand). VCF-style: chr13-36312224-C-G. GRCh37 (hg19) VCF-style: chr13-36886361-C-G.
Other names: c.1654G>C, p.Val552Leu (NM_001142294.2, NM_001142295.2, NM_001142296.2); short protein forms V552L.
Identifiers: ClinVar variation 448471 (VCV000448471.3), dbSNP rs779828161, ClinGen allele CA6949325.

ClinVar aggregate classification (germline): Uncertain significance. Review status: criteria provided, multiple submitters, no conflicts (2 of 4 stars). 2 submissions from 2 submitters: Uncertain significance (2). Last evaluated 2025-10-13.

Allele frequency attached by ClinVar (database versions not stated): gnomAD exomes 0.00001.
gnomAD v4.1: 3 of 1,614,108 alleles (0.00019%); highest among the groups gnomAD compares: Middle Eastern, 0.016%; no homozygotes.

Submissions (2):

Dasa
Classification: Uncertain significance. Last evaluated: 2025-10-13. Review status: criteria provided, single submitter. Criteria: DASA Assertion Criteria. Collection method: clinical testing. Allele origin: germline.
Comment: NM_015087.5(SPART):c.1654G>C (p.Val552Leu) is a missense variant that results in the substitution of valine with leucine. This variant is rare in population databases. Computational prediction algorithms are consistent with a deleterious effect. The currently available literature and clinical evidence are not sufficient to establish a definitive association between this variant and the reported condition. Therefore, this variant is classified as a variant of uncertain significance.

Athena Diagnostics
Classification: Uncertain significance. Last evaluated: 2016-09-07. Review status: criteria provided, single submitter. Criteria: Athena Diagnostics Criteria. Collection method: clinical testing. Allele origin: germline.